The following is an entry in ClinVar:

NM_001267550.2(TTN):c.83564C>T (p.Thr27855Ile)

Genes: TTN (titin; minus strand), TTN-AS1 (TTN antisense RNA 1; plus strand). Cytogenetic location: 2q31.2.
Variant type: single nucleotide variant.
Coding change: c.83564C>T on transcript NM_001267550.2 (MANE Select); coding-DNA position 83564, C replaced by T.
Protein change: p.Thr27855Ile; replaces threonine 27855 with isoleucine.
Molecular consequence: missense variant.
Genome position (GRCh38, 1-based): chr2:178,562,568, G>A on the plus strand (C>T on the coding strand, the complement: TTN is on the minus strand). VCF-style: chr2-178562568-G-A. GRCh37 (hg19) VCF-style: chr2-179427295-G-A.
Other names: c.78641C>T, p.Thr26214Ile (NM_001256850.1); c.56369C>T, p.Thr18790Ile (NM_003319.4); c.75860C>T, p.Thr25287Ile (NM_133378.4); c.56744C>T, p.Thr18915Ile (NM_133432.3); c.56945C>T, p.Thr18982Ile (NM_133437.4); short protein forms T18790I, T18915I, T18982I, T25287I, T26214I, T27855I.
Identifiers: ClinVar variation 1050151 (VCV001050151.4), dbSNP rs1268315067, ClinGen allele CA349567055.
Genomic context (GRCh38, chr2:178,562,568, plus strand): 5'-ACATCAACAAGAGTTACTCTTCCAGGTGGGAGGGGTGGTTCAGACACTTTAACGGGTTCT[G>A]TTGTTTCAGCTGGCAAACCAATCCCATATTCATTGGAAGCCAAGACTCGGAAGTAGTAAG-3'
Protein context (NP_001254479.2, residues 27845-27865): EYGIGLPAET[Thr27855Ile]EPVKVSEPPL

ClinVar aggregate classification (germline): Uncertain significance. Review status: criteria provided, single submitter (1 of 4 stars). 2 submissions from 2 submitters: Uncertain significance (1). 1 of the submissions does not count toward it. Last evaluated 2021-06-30.

Allele frequency attached by ClinVar (database versions not stated): gnomAD exomes below 0.00001; gnomAD 0.00001.
gnomAD v4.1: 3 of 1,610,824 alleles (0.00019%); highest among the groups gnomAD compares: African/African-American, 0.004%; no homozygotes.

Submissions (2):

Revvity Omics, Revvity
Classification: Uncertain significance. Last evaluated: 2021-06-30. Review status: criteria provided, single submitter. Criteria: ACMG Guidelines, 2015. Collection method: clinical testing. Allele origin: germline.

Department of Pathology and Laboratory Medicine, Sinai Health System
Classification: Uncertain significance. Review status: no assertion criteria provided. Collection method: clinical testing. Allele origin: unknown. Affected: yes. Study: The Canadian Open Genetics Repository (COGR). Not counted in ClinVar's aggregate classification.
Comment: The TTN p.Thr18915Ile variant was not identified in the literature nor was it identified in ClinVar, Cosmic or LOVD 3.0. The variant was identified in dbSNP (ID: rs1268315067) and in control databases in 1 of 31398 chromosomes at a frequency of 0.000032 (Genome Aggregation Database Feb 27, 2017). The variant was observed in the African population in 1 of 8716 chromosomes (freq: 0.000115), while the variant was not observed in the Latino, Ashkenazi Jewish, East Asian, European (Finnish), European (non-Finnish), Other or South Asian populations. Three out of four computational analyses (PolyPhen-2, SIFT, MutationTaster) do not suggest that the variant will impact the protein. The variant occurs outside of the splicing consensus sequence and in silico or computational prediction software programs (SpliceSiteFinder, MaxEntScan, NNSPLICE, GeneSplicer) do not predict a difference in splicing. In summary, based on the above information the clinical significance of this variant cannot be determined with certainty at this time. This variant is classified as a variant of uncertain significance.